The following is an entry in ClinVar:

NM_000426.4(LAMA2):c.1783-1G>C

Gene: LAMA2 (laminin subunit alpha 2; plus strand). Cytogenetic location: 6q22.33.
Variant type: single nucleotide variant.
Coding change: c.1783-1G>C on transcript NM_000426.4 (MANE Select); the canonical splice acceptor site of the intron before coding-DNA position 1783, G replaced by C.
Molecular consequence: splice acceptor variant.
Genome position (GRCh38, 1-based): chr6:129,250,111, G>C. VCF-style: chr6-129250111-G-C. GRCh37 (hg19) VCF-style: chr6-129571256-G-C.
Other names: c.1783-1G>C (NM_001079823.2).
Identifiers: ClinVar variation 1470757 (VCV001470757.8), dbSNP rs2114276133, ClinGen allele CA365609462.

ClinVar aggregate classification (germline): Likely pathogenic (1 of 4 stars; one submission).

Conditions:
LAMA2-related muscular dystrophy (LAMA2-RD). Also called: Laminin alpha 2-related dystrophy. Identifiers: MedGen C5679788, MONDO:0100228.

Submission:

Labcorp Genetics (formerly Invitae), Labcorp
Classification: Likely pathogenic for LAMA2-related muscular dystrophy. Last evaluated: 2022-03-03. Review status: criteria provided, single submitter. Criteria: Invitae Variant Classification Sherloc (09022015). Collection method: clinical testing. Allele origin: germline.
Comment: Algorithms developed to predict the effect of sequence changes on RNA splicing suggest that this variant may disrupt the consensus splice site. In summary, the currently available evidence indicates that the variant is pathogenic, but additional data are needed to prove that conclusively. Therefore, this variant has been classified as Likely Pathogenic. This sequence change affects an acceptor splice site in intron 12 of the LAMA2 gene. It is expected to disrupt RNA splicing. Variants that disrupt the donor or acceptor splice site typically lead to a loss of protein function (PMID: 16199547), and loss-of-function variants in LAMA2 are known to be pathogenic (PMID: 18700894, 32904964). This variant has not been reported in the literature in individuals affected with LAMA2-related conditions. This variant is not present in population databases (gnomAD no frequency).

Literature cited by the submitters: PubMed 16199547; PubMed 18700894; PubMed 32904964.